The following is an entry in ClinVar:

NM_000465.4(BARD1):c.2174G>A (p.Arg725Lys)

Gene: BARD1 (BRCA1 associated RING domain 1; minus strand). Cytogenetic location: 2q35.
Variant type: single nucleotide variant.
Coding change: c.2174G>A on transcript NM_000465.4 (MANE Select); coding-DNA position 2174, G replaced by A.
Protein change: p.Arg725Lys; replaces arginine 725 with lysine.
Molecular consequence: missense variant. On other transcripts: non-coding transcript variant (3).
Genome position (GRCh38, 1-based): chr2:214,728,836, C>T on the plus strand (G>A on the coding strand, the complement: BARD1 is on the minus strand). VCF-style: chr2-214728836-C-T. GRCh37 (hg19) VCF-style: chr2-215593560-C-T.
Other names: c.2117G>A, p.Arg706Lys (NM_001282543.2); c.821G>A, p.Arg274Lys (NM_001282545.2); c.764G>A, p.Arg255Lys (NM_001282548.2); c.635G>A, p.Arg212Lys (NM_001282549.2); short protein forms R255K, R212K, R274K, R725K, R706K.
Identifiers: ClinVar variation 1905586 (VCV001905586.5), dbSNP rs1559372078, ClinGen allele CA350450378.

ClinVar aggregate classification (germline): Uncertain significance (1 of 4 stars; one submission).

Conditions:
Familial cancer of breast. Also called: BREAST CANCER, FAMILIAL; Hereditary breast cancer; hereditary breast carcinoma. Identifiers: Orphanet 227535, MedGen C0346153, MONDO:0016419, OMIM 114480. Disease mechanism: loss of function.

Submission:

Labcorp Genetics (formerly Invitae), Labcorp
Classification: Uncertain significance for Familial cancer of breast. Last evaluated: 2023-08-08. Review status: criteria provided, single submitter. Criteria: Invitae Variant Classification Sherloc (09022015). Collection method: clinical testing. Allele origin: germline.
Comment: Algorithms developed to predict the effect of missense changes on protein structure and function output the following: SIFT: "Not Available"; PolyPhen-2: "Benign"; Align-GVGD: "Not Available". The lysine amino acid residue is found in multiple mammalian species, which suggests that this missense change does not adversely affect protein function. In summary, the available evidence is currently insufficient to determine the role of this variant in disease. Therefore, it has been classified as a Variant of Uncertain Significance. ClinVar contains an entry for this variant (Variation ID: 1905586). This sequence change replaces arginine, which is basic and polar, with lysine, which is basic and polar, at codon 725 of the BARD1 protein (p.Arg725Lys). This variant is not present in population databases (gnomAD no frequency). This variant has not been reported in the literature in individuals affected with BARD1-related conditions.